The following is an entry in ClinVar:

ClinVar aggregate classification (germline): Uncertain significance. Review status: criteria provided, multiple submitters, no conflicts (2 of 4 stars). 2 submissions from 2 submitters: Uncertain significance (2). Last evaluated 2024-11-11.

Allele frequency attached by ClinVar (database versions not stated): ExAC 0.00006; gnomAD 0.00007; ESP Exome Variant Server 0.00008; TOPMed 0.00010; gnomAD exomes 0.00011 and 0.00019.
gnomAD v4.1: 287 of 1,610,894 alleles (0.018%); highest among the groups gnomAD compares: Non-Finnish European, 0.023%; no homozygotes.

Submissions (2):

GeneDx
Classification: Uncertain significance. Last evaluated: 2024-11-11. Review status: criteria provided, single submitter. Criteria: GeneDx Variant Classification Process June 2021. Collection method: clinical testing. Allele origin: germline. Affected: yes.
Comment: In silico analysis indicates that this missense variant does not alter protein structure/function; Has not been previously published as pathogenic or benign to our knowledge

Labcorp Genetics (formerly Invitae), Labcorp
Classification: Uncertain significance. Last evaluated: 2022-11-01. Review status: criteria provided, single submitter. Criteria: Invitae Variant Classification Sherloc (09022015). Collection method: clinical testing. Allele origin: germline.
Comment: This sequence change replaces alanine, which is neutral and non-polar, with valine, which is neutral and non-polar, at codon 1091 of the ATP8A2 protein (p.Ala1091Val). This variant is present in population databases (rs199725711, gnomAD 0.03%). This variant has not been reported in the literature in individuals affected with ATP8A2-related conditions. ClinVar contains an entry for this variant (Variation ID: 1415816). Algorithms developed to predict the effect of missense changes on protein structure and function (SIFT, PolyPhen-2, Align-GVGD) all suggest that this variant is likely to be tolerated. In summary, the available evidence is currently insufficient to determine the role of this variant in disease. Therefore, it has been classified as a Variant of Uncertain Significance.

NM_016529.6(ATP8A2):c.3272C>T (p.Ala1091Val)

Gene: ATP8A2 (ATPase phospholipid transporting 8A2). Cytogenetic location: 13q12.13.
Variant type: single nucleotide variant.
Coding change: c.3272C>T on transcript NM_016529.6 (MANE Select); coding-DNA position 3272, C replaced by T.
Protein change: p.Ala1091Val; replaces alanine 1091 with valine.
Molecular consequence: missense variant.
Genome position (GRCh38, 1-based): chr13:25,961,663, C>T. VCF-style: chr13-25961663-C-T. GRCh37 (hg19) VCF-style: chr13-26535801-C-T.
Other names: c.3077C>T, p.Ala1026Val (NM_001313741.1); c.3272C>T (NM_016529.4); short protein forms A1091V, A1026V.
Identifiers: ClinVar variation 1415816 (VCV001415816.4), dbSNP rs199725711, ClinGen allele CA6923665.
Genomic context (GRCh38, chr13:25,961,663, plus strand): 5'-TCTGGTTGGGATTATTTCTGGTTCCTACTGCCTGTTTGATTGAAGATGTGGCATGGAGAG[C>T]GTAAGTTTAACAGTGAAGCGGGGACCCTAAGTCTGGCTCATCTGTCCCTGGAATTGTCTT-3'
Protein context (NP_057613.4, residues 1081-1101): ACLIEDVAWR[Ala1091Val]AKHTCKKTLL